The following is an entry in ClinVar:

ClinVar aggregate classification (germline): Uncertain significance (1 of 4 stars; one submission).

Conditions:
Familial meningioma. Also called: Meningioma, familial, susceptibility to. Identifiers: Orphanet 263662, MedGen C3551915, MONDO:0011789, OMIM 607174.

Allele frequency attached by ClinVar (database versions not stated): TOPMed below 0.00001; gnomAD 0.00001.

Submission:

Centre for Mendelian Genomics, University Medical Centre Ljubljana
Classification: Uncertain significance for Familial meningioma. Last evaluated: 2018-12-24. Review status: criteria provided, single submitter. Criteria: ACMG Guidelines, 2015. Collection method: clinical testing. Allele origin: unknown. Affected: yes.
Comment: This variant was classified as: Uncertain significance. The available evidence on this variant's pathogenicity is insufficient or conflicting. The following ACMG criteria were applied in classifying this variant: PP2,PP3.

NM_002608.4(PDGFB):c.716T>C (p.Leu239Pro)

Gene: PDGFB (platelet derived growth factor subunit B; minus strand). Cytogenetic location: 22q13.1.
Variant type: single nucleotide variant.
Coding change: c.716T>C on transcript NM_002608.4 (MANE Select); coding-DNA position 716, T replaced by C.
Protein change: p.Leu239Pro; replaces leucine 239 with proline.
Molecular consequence: missense variant.
Genome position (GRCh38, 1-based): chr22:39,225,733, A>G on the plus strand (T>C on the coding strand, the complement: PDGFB is on the minus strand). VCF-style: chr22-39225733-A-G. GRCh37 (hg19) VCF-style: chr22-39621738-A-G.
Other names: c.671T>C, p.Leu224Pro (NM_033016.3); short protein forms L224P, L239P.
Identifiers: ClinVar variation 930299 (VCV000930299.3), dbSNP rs1932148548, ClinGen allele CA411598144.